The following is an entry in ClinVar:

ClinVar aggregate classification (germline): Uncertain significance (1 of 4 stars; one submission).

Allele frequency attached by ClinVar (database versions not stated): ExAC 0.00001; gnomAD exomes 0.00001.
gnomAD v4.1: 8 of 1,613,550 alleles (0.0005%); highest among the groups gnomAD compares: Non-Finnish European, 0.00059%; no homozygotes.

Submission:

Labcorp Genetics (formerly Invitae), Labcorp
Classification: Uncertain significance. Last evaluated: 2024-04-25. Review status: criteria provided, single submitter. Criteria: Invitae Variant Classification Sherloc (09022015). Collection method: clinical testing. Allele origin: germline.
Comment: This sequence change replaces glycine, which is neutral and non-polar, with arginine, which is basic and polar, at codon 403 of the MYO18B protein (p.Gly403Arg). The frequency data for this variant in the population databases is considered unreliable, as metrics indicate poor data quality at this position in the gnomAD database. This variant has not been reported in the literature in individuals affected with MYO18B-related conditions. ClinVar contains an entry for this variant (Variation ID: 1517752). Algorithms developed to predict the effect of missense changes on protein structure and function output the following: SIFT: "Not Available"; PolyPhen-2: "Benign"; Align-GVGD: "Not Available". The arginine amino acid residue is found in multiple mammalian species, which suggests that this missense change does not adversely affect protein function. In summary, the available evidence is currently insufficient to determine the role of this variant in disease. Therefore, it has been classified as a Variant of Uncertain Significance.

NM_032608.7(MYO18B):c.1207G>A (p.Gly403Arg)

Gene: MYO18B (myosin XVIIIB; plus strand). Cytogenetic location: 22q12.1.
Variant type: single nucleotide variant.
Coding change: c.1207G>A on transcript NM_032608.7 (MANE Select); coding-DNA position 1207, G replaced by A.
Protein change: p.Gly403Arg; replaces glycine 403 with arginine.
Molecular consequence: missense variant.
Genome position (GRCh38, 1-based): chr22:25,769,123, G>A. VCF-style: chr22-25769123-G-A. GRCh37 (hg19) VCF-style: chr22-26165090-G-A.
Other names: c.1207G>A, p.Gly403Arg (NM_001318245.2); short protein forms G403R.
Identifiers: ClinVar variation 1517752 (VCV001517752.6), dbSNP rs774901340, ClinGen allele CA10159776.